The following is an entry in ClinVar:

ClinVar aggregate classification (germline): Pathogenic (0 of 4 stars; one submission).

Conditions:
Autosomal recessive congenital ichthyosis 3 (ARCI3). Also called: ICHTHYOSIS, LAMELLAR, 5. Identifiers: MedGen C3539888, MONDO:0011680, OMIM 606545.

Allele frequency attached by ClinVar (database versions not stated): gnomAD exomes below 0.00001 and 0.00001.
gnomAD v4.1: 4 of 1,613,750 alleles (0.00025%); highest among the groups gnomAD compares: Non-Finnish European, 0.00034%; no homozygotes.

Submission:

Institute for Human Genetics, University Medical Center Freiburg
Classification: Pathogenic for Autosomal recessive congenital ichthyosis 3. Last evaluated: 2021-01-07. Review status: no assertion criteria provided. Collection method: clinical testing. Allele origin: unknown. Affected: yes.

NM_021628.3(ALOXE3):c.1954C>T (p.Gln652Ter)

Gene: ALOXE3 (arachidonate epidermal lipoxygenase 3; minus strand). Cytogenetic location: 17p13.1.
Variant type: single nucleotide variant.
Coding change: c.1954C>T on transcript NM_021628.3 (MANE Select); coding-DNA position 1954, C replaced by T.
Protein change: p.Gln652Ter; replaces glutamine 652 with a stop codon.
Molecular consequence: nonsense.
Genome position (GRCh38, 1-based): chr17:8,103,325, G>A on the plus strand (C>T on the coding strand, the complement: ALOXE3 is on the minus strand). VCF-style: chr17-8103325-G-A. GRCh37 (hg19) VCF-style: chr17-8006643-G-A.
Other names: c.2350C>T, p.Gln784Ter (NM_001165960.1); c.1951C>T, p.Gln651Ter (NM_001369446.1); short protein forms Q651*, Q784*, Q652*.
Identifiers: ClinVar variation 973092 (VCV000973092.4), dbSNP rs1163280866, ClinGen allele CA397967598.
Genomic context (GRCh38, chr17:8,103,325, plus strand): 5'-ACCACCCCTACTGGTGGCCCTAAAGAACCCTACTCCCCTCAACATCCCGTATACACACCT[G>A]GTCCTTGGGTTCTTGGCTAACCAACCAGAAGAGGAGGAGGTTGTTACAGCTGATGTTCAC-3'